The following is an entry in ClinVar:

ClinVar aggregate classification (germline): Benign/Likely benign. Review status: criteria provided, multiple submitters, no conflicts (2 of 4 stars). 4 submissions from 4 submitters: Benign (1); Likely benign (3). Last evaluated 2025-08-31.

Conditions:
Colorectal cancer, susceptibility to, 12 (CRCS12). Also called: COLORECTAL CANCER, SUSCEPTIBILITY TO, ON CHROMOSOME 12q24. Identifiers: Orphanet 220460, MedGen C3554460, MONDO:0014038, OMIM 615083.
Hereditary cancer-predisposing syndrome. Also called: Neoplastic Syndromes, Hereditary; Tumor predisposition; Hereditary Cancer Syndrome; Hereditary neoplastic syndrome. Identifiers: Orphanet 140162, MedGen C0027672, MeSH D009386, MONDO:0015356.

Allele frequency attached by ClinVar (database versions not stated): gnomAD exomes below 0.00001; gnomAD 0.00001; TOPMed 0.00001.
gnomAD v4.1: 5 of 1,613,866 alleles (0.00031%); highest among the groups gnomAD compares: African/African-American, 0.0013%; no homozygotes.

Submissions (4):

Labcorp Genetics (formerly Invitae), Labcorp
Classification: Likely benign. Last evaluated: 2025-08-31. Review status: criteria provided, single submitter. Criteria: Invitae Variant Classification Sherloc (09022015). Collection method: clinical testing. Allele origin: germline.

Center for Genomic Medicine, Rigshospitalet, Copenhagen University Hospital
Classification: Likely benign. Last evaluated: 2025-03-04. Review status: criteria provided, single submitter. Criteria: ACMG Guidelines, 2015. Collection method: clinical testing. Allele origin: germline.

Myriad Genetics, Inc.
Classification: Benign for Colorectal cancer, susceptibility to, 12. Last evaluated: 2025-02-10. Review status: criteria provided, single submitter. Criteria: Myriad Autosomal Dominant, Autosomal Recessive and X-Linked Classification Criteria (2023). Collection method: clinical testing. Allele origin: unknown.
Comment: This variant is considered benign. This variant is a silent/synonymous amino acid change and it is not expected to impact splicing.

Ambry Genetics
Classification: Likely benign for Hereditary cancer-predisposing syndrome. Last evaluated: 2019-09-12. Review status: criteria provided, single submitter. Criteria: Ambry Variant Classification Scheme 2023. Collection method: clinical testing. Allele origin: germline.

NM_006231.4(POLE):c.1278G>A (p.Ala426=)

Gene: POLE (DNA polymerase epsilon, catalytic subunit; minus strand). Cytogenetic location: 12q24.33.
Variant type: single nucleotide variant.
Coding change: c.1278G>A on transcript NM_006231.4 (MANE Select); coding-DNA position 1278, G replaced by A.
Protein change: p.Ala426=; no amino-acid change (alanine 426 retained).
Molecular consequence: synonymous variant.
Genome position (GRCh38, 1-based): chr12:132,673,656, C>T on the plus strand (G>A on the coding strand, the complement: POLE is on the minus strand). VCF-style: chr12-132673656-C-T. GRCh37 (hg19) VCF-style: chr12-133250242-C-T.
Identifiers: ClinVar variation 473445 (VCV000473445.17), dbSNP rs1437075270, ClinGen allele CA482722808.